The following is an entry in ClinVar:

ClinVar aggregate classification (germline): Likely benign. Review status: criteria provided, single submitter (1 of 4 stars). 2 submissions from 2 submitters: Likely benign (1). 1 of the submissions does not count toward it. Last evaluated 2025-03-17.

Conditions:
Perlman syndrome (PRLMNS). Identifiers: Orphanet 2849, MedGen C0796113, MONDO:0009965, OMIM 267000.
DIS3L2-related disorder. Also called: DIS3L2-related condition.

Allele frequency attached by ClinVar (database versions not stated): gnomAD exomes below 0.00001; gnomAD 0.00001.
gnomAD v4.1: 3 of 1,613,836 alleles (0.00019%); highest among the groups gnomAD compares: African/African-American, 0.0027%; no homozygotes.

Submissions (2):

Labcorp Genetics (formerly Invitae), Labcorp
Classification: Likely benign for Perlman syndrome. Last evaluated: 2025-03-17. Review status: criteria provided, single submitter. Criteria: Invitae Variant Classification Sherloc (09022015). Collection method: clinical testing. Allele origin: germline.

PreventionGenetics, part of Exact Sciences
Classification: Likely benign for DIS3L2-related condition. Last evaluated: 2022-02-03. Review status: no assertion criteria provided. Collection method: clinical testing. Allele origin: germline. Not counted in ClinVar's aggregate classification.
Comment: This variant is classified as likely benign based on ACMG/AMP sequence variant interpretation guidelines (Richards et al. 2015 PMID: 25741868, with internal and published modifications).

NM_152383.5(DIS3L2):c.423C>T (p.Ile141=)

Gene: DIS3L2 (DIS3 like 3'-5' exoribonuclease 2; plus strand). Cytogenetic location: 2q37.1.
Variant type: single nucleotide variant.
Coding change: c.423C>T on transcript NM_152383.5 (MANE Select); coding-DNA position 423, C replaced by T.
Protein change: p.Ile141=; no amino-acid change (isoleucine 141 retained).
Molecular consequence: synonymous variant. On other transcripts: non-coding transcript variant (2).
Genome position (GRCh38, 1-based): chr2:232,087,543, C>T. VCF-style: chr2-232087543-C-T. GRCh37 (hg19) VCF-style: chr2-232952253-C-T.
Other names: c.423C>T, p.Ile141= (NM_001257281.2, NM_001257282.2).
Identifiers: ClinVar variation 790997 (VCV000790997.12), dbSNP rs1574864680, ClinGen allele CA431965549.
Genomic context (GRCh38, chr2:232,087,543, plus strand): 5'-TTAGGTAGTTAAACCAGAGAGCAATGACAAAGAAACAGAAGCTGCGTATGAATCAGATAT[C>T]CCCGAGGAGCTCTGTGGACACCATCTCCCGCAACAGTCCCTGAAAAGCTATAATGACAGT-3'
Protein context (NP_689596.4, residues 131-151): KETEAAYESD[Ile141=]PEELCGHHLP